The following is an entry in ClinVar:

ClinVar aggregate classification (germline): Pathogenic (1 of 4 stars; one submission).

Submission:

Labcorp Genetics (formerly Invitae), Labcorp
Classification: Pathogenic. Last evaluated: 2025-08-10. Review status: criteria provided, single submitter. Criteria: Invitae Variant Classification Sherloc (09022015). Collection method: clinical testing. Allele origin: germline.
Comment: This sequence change creates a premature translational stop signal (p.Gly672Aspfs*70) in the LTBP2 gene. It is expected to result in an absent or disrupted protein product. Loss-of-function variants in LTBP2 are known to be pathogenic (PMID: 19361779, 19656777, 22025892). This variant is not present in population databases (gnomAD no frequency). This variant has not been reported in the literature in individuals affected with LTBP2-related conditions. ClinVar contains an entry for this variant (Variation ID: 2120488). For these reasons, this variant has been classified as Pathogenic.

Literature cited by the submitters: PubMed 19361779; PubMed 19656777; PubMed 22025892.

NM_000428.3(LTBP2):c.2015del (p.Gly672fs)

Gene: LTBP2 (latent transforming growth factor beta binding protein 2; minus strand). Cytogenetic location: 14q24.3.
Variant type: Deletion.
Coding change: c.2015del on transcript NM_000428.3 (MANE Select); coding-DNA position 2015, one base deleted (G; older notation c.2015delG).
Protein change: p.Gly672fs; shifts the reading frame from glycine 672.
Molecular consequence: frameshift variant.
Genome position (GRCh38, 1-based): chr14:74,529,095, C deleted on the plus strand (G on the coding strand, the reverse complement: LTBP2 is on the minus strand); the first of 3 consecutive C bases (chr14:74,529,095-74,529,097); deleting any one gives the same sequence. VCF-style (leftmost placement, unchanged base first): chr14-74529094-TC-T. GRCh37 (hg19) VCF-style: chr14-74995797-TC-T.
Other names: short protein forms G672fs.
Identifiers: ClinVar variation 2120488 (VCV002120488.4), dbSNP rs35915872, ClinGen allele CA2580088715.